The following is an entry in ClinVar:

NM_003718.5(CDK13):c.484dup (p.Ala162fs)

Genes: CDK13 (cyclin dependent kinase 13; plus strand), LOC129998292 (ATAC-STARR-seq lymphoblastoid silent region 18115; plus strand). Cytogenetic location: 7p14.1.
Variant type: Duplication.
Coding change: c.484dup on transcript NM_003718.5 (MANE Select); coding-DNA position 484, one base duplicated (G; older notation c.484dupG).
Protein change: p.Ala162fs; shifts the reading frame from alanine 162.
Molecular consequence: frameshift variant.
Genome position (GRCh38, 1-based): chr7:39,951,125, G duplicated; the last of 8 consecutive G bases (chr7:39,951,118-39,951,125); duplicating any one gives the same sequence. VCF-style (leftmost placement, unchanged base first): chr7-39951117-T-TG. GRCh37 (hg19) VCF-style: chr7-39990716-T-TG.
Other names: c.484dupG (NM_003718.4); c.484dup, p.Ala162Glyfs (NM_031267.4); short protein forms A162fs.
Identifiers: ClinVar variation 504021 (VCV000504021.35), dbSNP rs1405252481, ClinGen allele CA454873197.

ClinVar aggregate classification (germline): Conflicting classifications of pathogenicity. Review status: criteria provided, conflicting classifications (1 of 4 stars). 15 submissions from 15 submitters: Pathogenic (7); Likely pathogenic (3); Uncertain significance (1). 4 of the submissions do not count toward it. Last evaluated 2025-09-05.

Conditions:
Inborn genetic diseases. Identifiers: MedGen C0950123, MeSH D030342.
Congenital heart defects, dysmorphic facial features, and intellectual developmental disorder (CHDFIDD). Identifiers: Orphanet 646278, MedGen C4479246, MONDO:0044302, OMIM 617360.
Paediatric disorders.
CDK13-related disorder. Also called: CDK13-related condition. Identifiers: MedGen C5816700.

Submissions 1 to 11 of 15:

North West Genomic Laboratory Hub, Manchester University NHS Foundation Trust
Classification: Likely pathogenic for Paediatric disorders. Last evaluated: 2025-09-05. Review status: criteria provided, single submitter. Criteria: ACGS Best Practice Guidelines for Variant Classification in Rare Disease 2024. Collection method: clinical testing. Allele origin: germline. Affected: yes.
Comment: PVS1_Str PS2_Str

GeneDx
Classification: Pathogenic. Last evaluated: 2025-09-03. Review status: criteria provided, single submitter. Criteria: GeneDx Variant Classification Process June 2021. Collection method: clinical testing. Allele origin: germline. Affected: yes.
Comment: Frameshift variant predicted to result in protein truncation or nonsense mediated decay in a gene or region of a gene for which loss of function is not a well-established mechanism of disease; This variant is associated with the following publications: (PMID: 30525188, 33879837, 31238879, 29393965, 36114283, 38958063, 38549490, 36599938)

Institute of Human Genetics, University of Leipzig Medical Center
Classification: Pathogenic for Congenital heart defects, dysmorphic facial features, and intellectual developmental disorder. Last evaluated: 2025-03-04. Review status: criteria provided, single submitter. Criteria: ACMG Guidelines, 2015. Collection method: clinical testing. Allele origin: paternal. Inheritance: Autosomal dominant inheritance. Affected: yes.
Comment: Criteria applied: PVS1,PS4_MOD

Ambry Genetics
Classification: Pathogenic for Inborn genetic diseases. Last evaluated: 2024-08-08. Review status: criteria provided, single submitter. Criteria: Ambry Variant Classification Scheme 2023. Collection method: clinical testing. Allele origin: germline.
Comment: The c.484dupG (p.A162Gfs*108) alteration, located in exon 1 (coding exon 1) of the CDK13 gene, consists of a duplication of G at position 484, causing a translational frameshift with a predicted alternate stop codon after 108 amino acids. This alteration is expected to result in loss of function by premature protein truncation or nonsense-mediated mRNA decay. This alteration was flagged as a low confidence call in the Genome Aggregation Database (gnomAD). This variant has been detected in multiple individuals with features consistent with CDK13-related neurodevelopmental disorder, including multiple cases of reported de novo occurrence (van den Akker, 2018; Snoeijen-Schouwenaars, 2019; Morison, 2023; van der Sanden, 2023). Based on the available evidence, this alteration is classified as pathogenic.

Labcorp Genetics (formerly Invitae), Labcorp
Classification: Pathogenic. Last evaluated: 2024-03-07. Review status: criteria provided, single submitter. Criteria: Invitae Variant Classification Sherloc (09022015). Collection method: clinical testing. Allele origin: germline.
Comment: This sequence change creates a premature translational stop signal (p.Ala162Glyfs*108) in the CDK13 gene. It is expected to result in an absent or disrupted protein product. Loss-of-function variants in CDK13 are known to be pathogenic (PMID: 27479907, 29021403, 29393965). The frequency data for this variant in the population databases is considered unreliable, as metrics indicate poor data quality at this position in the gnomAD database. This premature translational stop signal has been observed in individual(s) with syndromic intellectual disability (PMID: 29393965). ClinVar contains an entry for this variant (Variation ID: 504021). For these reasons, this variant has been classified as Pathogenic.

Blueprint Genetics
Classification: Uncertain significance. Last evaluated: 2023-11-08. Review status: criteria provided, single submitter. Criteria: ACMG Guidelines, 2015. Collection method: clinical testing. Allele origin: germline.

Victorian Clinical Genetics Services, Murdoch Childrens Research Institute
Classification: Likely pathogenic for Congenital heart defects, dysmorphic facial features, and intellectual developmental disorder. Last evaluated: 2023-07-17. Review status: criteria provided, single submitter. Criteria: ACMG Guidelines, 2015. Collection method: clinical testing. Allele origin: germline. Inheritance: Autosomal dominant inheritance. Affected: yes.
Comment: Based on the classification scheme VCGS_Germline_v1.3.4, this variant is classified as Likely Pathogenic. Following criteria are met: 0105 - The mechanism of disease for this gene is not clearly established. Both dominant negative and haploinsufficiency have been suggested, although not proven with functional studies (PMID: 29393965, PMID: 30904094, PMID: 32762766). (I) 0107 - This gene is associated with autosomal dominant disease. (I) 0201 - Variant is predicted to cause nonsense-mediated decay (NMD) and loss of protein (premature termination codon is located at least 54 nucleotides upstream of the final exon-exon junction). (SP) 0251 - This variant is heterozygous. (I) 0302 - Variant is present in gnomAD (v3) <0.001 for a dominant condition (4 heterozygotes, 0 homozygotes). However, this variant does not pass gnomAD data quality filters. (I) 0702 - Other NMD-predicted variants comparable to the one identified in this case have strong previous evidence for pathogenicity. Other NMD-predicted variants have been reported as pathogenic in ClinVar, and in individuals with neurodevelopmental disorders in the literature (PMID: 29393965, 31238879). (SP) 0801 - This variant has strong previous evidence of pathogenicity in unrelated individuals. The variant has previously been reported as pathogenic in at least seven unrelated patients with developmental delay. Five of these reports were de novo (PMID: 29393965, 36114283, 36599938, 33879837, ClinVar). This variant has also been reported in ClinVar both as pathogenic and as a VUS. (SP) 0905 - No published segregation evidence has been identified for this variant. (I) 1007 - No published functional evidence has been identified for this variant. (I) Legend: (SP) - Supporting pathogenic, (I) - Information, (SB) - Supporting benign

Baylor Genetics
Classification: Likely pathogenic for Congenital heart defects, dysmorphic facial features, and intellectual developmental disorder. Last evaluated: 2023-05-23. Review status: criteria provided, single submitter. Criteria: ACMG Guidelines, 2015. Collection method: clinical testing. Allele origin: unknown.

Illumina Laboratory Services, Illumina
Classification: Pathogenic for Congenital heart defects, dysmorphic facial features, and intellectual developmental disorder. Last evaluated: 2023-04-07. Review status: criteria provided, single submitter. Criteria: ICSLVariantClassificationCriteria RUGD 01 April 2020. Collection method: clinical testing. Allele origin: unknown.
Comment: The CDK13 c.484dup (p.Ala162GlyfsTer108) variant is a duplication of a nucleotide at position c.484, causing a shift in the protein reading frame that is predicted to result in premature termination of the protein. Loss of normal protein function through either protein truncation or nonsense-mediated mRNA decay is expected. This variant has been reported in a heterozygous state in at least four individuals with congenital heart defects, dysmorphic facial features, and intellectual developmental disorder; in three of these cases, the variant was confirmed to have a de novo occurrence (PMID: 29393965; PMID: 30525188). The p.Ala162GlyfsTer108 variant is reported in the Genome Aggregation Database in four alleles at a frequency of 0.000026 in the Total population (version 3.1.2), however, these variants failed allele-specific VQSR filter, so this frequency data may be unreliable. This variant was identified in a de novo state. Based on the available evidence, the c.484dup (p.Ala162GlyfsTer108) variant is classified as pathogenic for congenital heart defects, dysmorphic facial features, and intellectual developmental disorder.

Genetics Laboratory, UDIAT-Centre Diagnòstic, Hospital Universitari Parc Tauli
Classification: Pathogenic for Congenital heart defects, dysmorphic facial features, and intellectual developmental disorder. Last evaluated: 2022-10-04. Review status: criteria provided, single submitter. Criteria: Parc Tauli Hospital Assertion Criteria 2021. Collection method: clinical testing. Allele origin: de novo. Inheritance: Autosomal dominant inheritance. Affected: yes.
Comment: PVS1;PS4;PM2_supporting;PM6

Juno Genomics, Hangzhou Juno Genomics, Inc
Classification: Pathogenic for Congenital heart defects, dysmorphic facial features, and intellectual developmental disorder. Review status: criteria provided, single submitter. Criteria: ACMG Guidelines, 2015. Collection method: clinical testing. Allele origin: germline. Affected: yes.
Comment: Null variant in a gene where loss of function (LOF) is a known mechanism of disease.;The prevalence of the variant in affected individuals is significantly increased compared to the prevalence in controls.;De novo (both maternity and paternity confirmed) in a patient with the disease and no family history.